The following is an entry in ClinVar:

NM_014795.4(ZEB2):c.1745C>T (p.Ser582Leu)

Gene: ZEB2 (zinc finger E-box binding homeobox 2; minus strand). Cytogenetic location: 2q22.3.
Variant type: single nucleotide variant.
Coding change: c.1745C>T on transcript NM_014795.4 (MANE Select); coding-DNA position 1745, C replaced by T.
Protein change: p.Ser582Leu; replaces serine 582 with leucine.
Molecular consequence: missense variant.
Genome position (GRCh38, 1-based): chr2:144,399,442, G>A on the plus strand (C>T on the coding strand, the complement: ZEB2 is on the minus strand). VCF-style: chr2-144399442-G-A. GRCh37 (hg19) VCF-style: chr2-145157009-G-A.
Other names: c.1673C>T, p.Ser558Leu (NM_001171653.2); short protein forms S582L, S558L.
Identifiers: ClinVar variation 934548 (VCV000934548.9), dbSNP rs1703277543, ClinGen allele CA348710284.

ClinVar aggregate classification (germline): Uncertain significance (1 of 4 stars; one submission).

Conditions:
Mowat-Wilson syndrome (MOWS). Also called: Classic Mowat-Wilson Syndrome. Identifiers: Orphanet 2152, MedGen C1856113, MONDO:0009341, OMIM 235730.

Submission:

Labcorp Genetics (formerly Invitae), Labcorp
Classification: Uncertain significance for Mowat-Wilson syndrome. Last evaluated: 2022-10-25. Review status: criteria provided, single submitter. Criteria: Invitae Variant Classification Sherloc (09022015). Collection method: clinical testing. Allele origin: germline.
Comment: This sequence change replaces serine, which is neutral and polar, with leucine, which is neutral and non-polar, at codon 582 of the ZEB2 protein (p.Ser582Leu). This variant is not present in population databases (gnomAD no frequency). This variant has not been reported in the literature in individuals affected with ZEB2-related conditions. ClinVar contains an entry for this variant (Variation ID: 934548). Algorithms developed to predict the effect of missense changes on protein structure and function (SIFT, PolyPhen-2, Align-GVGD) all suggest that this variant is likely to be tolerated. In summary, the available evidence is currently insufficient to determine the role of this variant in disease. Therefore, it has been classified as a Variant of Uncertain Significance.